The following is an entry in ClinVar:

NM_000520.6(HEXA):c.536A>G (p.His179Arg)

Gene: HEXA (hexosaminidase subunit alpha; minus strand). Cytogenetic location: 15q23.
Variant type: single nucleotide variant.
Coding change: c.536A>G on transcript NM_000520.6 (MANE Select); coding-DNA position 536, A replaced by G.
Protein change: p.His179Arg; replaces histidine 179 with arginine.
Molecular consequence: missense variant. On other transcripts: non-coding transcript variant (1).
Genome position (GRCh38, 1-based): chr15:72,353,102, T>C on the plus strand (A>G on the coding strand, the complement: HEXA is on the minus strand). VCF-style: chr15-72353102-T-C. GRCh37 (hg19) VCF-style: chr15-72645443-T-C.
Other names: c.569A>G, p.His190Arg (NM_001318825.2); c.536A>G (NM_000520.5); short protein forms H179R, H190R.
Identifiers: ClinVar variation 197682 (VCV000197682.12), dbSNP rs747372270, ClinGen allele CA245951.

ClinVar aggregate classification (germline): Conflicting classifications of pathogenicity. Review status: criteria provided, conflicting classifications (1 of 4 stars). 4 submissions from 4 submitters: Pathogenic (1); Likely pathogenic (2); Uncertain significance (1). Last evaluated 2026-09-18.

Conditions:
Tay-Sachs disease (TSD). Also called: Hexosaminidase A Deficiency; GM2 gangliosidosis, type 1; Hexosaminidase alpha-subunit deficiency (variant B); Sphingolipidosis, Tay-Sachs; HEXA DEFICIENCY; HEXA Disorders. Identifiers: Orphanet 845, MedGen C0039373, MONDO:0010100, OMIM 272800.

Allele frequency attached by ClinVar (database versions not stated): gnomAD exomes below 0.00001; gnomAD 0.00001.
gnomAD v4.1: 2 of 1,613,188 alleles (0.00012%); highest among the groups gnomAD compares: Non-Finnish European, 0.000085%; no homozygotes.

Submissions (4):

GeneDx
Classification: Likely pathogenic. Last evaluated: 2026-09-18. Review status: criteria provided, single submitter. Criteria: GeneDx Variant Classification Process June 2021. Collection method: clinical testing. Allele origin: germline.
Comment: Not observed at significant frequency in large population cohorts (gnomAD); In silico analysis supports that this missense variant has a deleterious effect on protein structure/function; This variant is associated with the following publications: (PMID: 22789865, 27243974)

Natera, Inc.
Classification: Likely pathogenic for Tay-Sachs disease. Last evaluated: 2025-12-15. Review status: criteria provided, single submitter. Criteria: Natera Variant Classification Schema (03/2026). Collection method: clinical testing. Allele origin: germline.
Comment: The c.536A>G variant in HEXA is a missense variant predicted to cause substitution of histidine to arginine at amino acid 179. This variant is rare in the general population with a frequency below the threshold expected for the associated phenotype(s). This variant has been observed in one or more individuals affected with the associated recessive disease, as either homozygous or compound heterozygous with a second variant (PMID: 22789865, 27243974). A different variant at the same position has been determined to be Pathogenic or Likely Pathogenic. Computational prediction algorithms indicate this variant is likely to affect gene or protein function. Given the available evidence, this variant is classified as Likely Pathogenic.

Labcorp Genetics (formerly Invitae), Labcorp
Classification: Pathogenic for Tay-Sachs disease. Last evaluated: 2025-03-11. Review status: criteria provided, single submitter. Criteria: Invitae Variant Classification Sherloc (09022015). Collection method: clinical testing. Allele origin: germline.
Comment: This sequence change replaces histidine, which is basic and polar, with arginine, which is basic and polar, at codon 179 of the HEXA protein (p.His179Arg). This variant is not present in population databases (gnomAD no frequency). This missense change has been observed in individual(s) with Tay-Sachs disease (PMID: 22789865). ClinVar contains an entry for this variant (Variation ID: 197682). Invitae Evidence Modeling of protein sequence and biophysical properties (such as structural, functional, and spatial information, amino acid conservation, physicochemical variation, residue mobility, and thermodynamic stability) indicates that this missense variant is expected to disrupt HEXA protein function with a positive predictive value of 95%. This variant disrupts the p.His179 amino acid residue in HEXA. Other variant(s) that disrupt this residue have been observed in individuals with HEXA-related conditions (PMID: 22789865), which suggests that this may be a clinically significant amino acid residue. For these reasons, this variant has been classified as Pathogenic.

Eurofins Ntd Llc (ga)
Classification: Uncertain significance. Last evaluated: 2015-03-04. Review status: criteria provided, single submitter. Criteria: EGL Classification Definitions 2015. Collection method: clinical testing. Allele origin: germline. Observed: 1 variant allele, 1 homozygote.

Literature cited by the submitters: PubMed 22789865 (cited by Natera, Inc. and Labcorp Genetics (formerly Invitae), Labcorp); PubMed 27243974 (cited by Natera, Inc.).